The following is an entry in ClinVar:

NM_001142800.2(EYS):c.1066T>G (p.Cys356Gly)

Gene: EYS (EGF-like photoreceptor maintenance factor; minus strand). Cytogenetic location: 6q12.
Variant type: single nucleotide variant.
Coding change: c.1066T>G on transcript NM_001142800.2 (MANE Select); coding-DNA position 1066, T replaced by G.
Protein change: p.Cys356Gly; replaces cysteine 356 with glycine.
Molecular consequence: missense variant.
Genome position (GRCh38, 1-based): chr6:65,402,596, A>C on the plus strand (T>G on the coding strand, the complement: EYS is on the minus strand). VCF-style: chr6-65402596-A-C. GRCh37 (hg19) VCF-style: chr6-66112489-A-C.
Other names: c.1066T>G, p.Cys356Gly (NM_001292009.2, NM_198283.2, NM_001142801.2); short protein forms C356G.
Identifiers: ClinVar variation 1349773 (VCV001349773.6), dbSNP rs2150363870, ClinGen allele CA364662512.
Genomic context (GRCh38, chr6:65,402,596, plus strand): 5'-ACTCACATGATGTTTGAATGCTCTTACAAAGCAAATCTGTAAATATTGGTGAACAGATGC[A>C]CATAACATCCTAGGAAAGATTAAAAAAATATTTTTACAAAGTATTATGGATATTTCAAAG-3'
Protein context (NP_001136272.1, residues 346-366): DCIKISNDVM[Cys356Gly]ICSPIFTDLL

ClinVar aggregate classification (germline): Uncertain significance (1 of 4 stars; one submission).

Submission:

Labcorp Genetics (formerly Invitae), Labcorp
Classification: Uncertain significance. Last evaluated: 2022-03-18. Review status: criteria provided, single submitter. Criteria: Invitae Variant Classification Sherloc (09022015). Collection method: clinical testing. Allele origin: germline.
Comment: Algorithms developed to predict the effect of missense changes on protein structure and function (SIFT, PolyPhen-2, Align-GVGD) all suggest that this variant is likely to be tolerated. In summary, the available evidence is currently insufficient to determine the role of this variant in disease. Therefore, it has been classified as a Variant of Uncertain Significance. This variant has not been reported in the literature in individuals affected with EYS-related conditions. This variant is not present in population databases (gnomAD no frequency). This sequence change replaces cysteine, which is neutral and slightly polar, with glycine, which is neutral and non-polar, at codon 356 of the EYS protein (p.Cys356Gly).